The following is an entry in ClinVar:

NM_000352.6(ABCC8):c.2041-12C>A

Gene: ABCC8 (ATP binding cassette subfamily C member 8; minus strand). Cytogenetic location: 11p15.1.
Variant type: single nucleotide variant.
Coding change: c.2041-12C>A on transcript NM_000352.6 (MANE Select); 12 bases into the intron before coding-DNA position 2041, C replaced by A.
Molecular consequence: intron variant.
Genome position (GRCh38, 1-based): chr11:17,427,954, G>T on the plus strand (C>A on the coding strand, the complement: ABCC8 is on the minus strand). VCF-style: chr11-17427954-G-T. GRCh37 (hg19) VCF-style: chr11-17449501-G-T.
Other names: c.2038-12C>A (NM_001351297.2, NM_001351296.2); c.2107-12C>A (NM_001351295.2); c.2041-12C>A (NM_001287174.3).
Identifiers: ClinVar variation 555078 (VCV000555078.13), dbSNP rs201419039, ClinGen allele CA597666161.

ClinVar aggregate classification (germline): Conflicting classifications of pathogenicity. Review status: criteria provided, conflicting classifications (1 of 4 stars). 7 submissions from 6 submitters: Uncertain significance (4); Likely benign (2). 1 of the submissions does not count toward it. Last evaluated 2024-12-16.

Conditions:
Hyperinsulinemic hypoglycemia, familial, 1 (HHF1). Also called: HYPERINSULINISM, FAMILIAL, WITH PANCREATIC NESIDIOBLASTOSIS; HYPOGLYCEMIA, HYPERINSULINEMIC, OF INFANCY; Persistent hyperinsulinemic hypoglycemia of infancy; NESIDIOBLASTOSIS OF PANCREAS; Persistent Hyperinsulinemia Hypoglycemia of Infancy. Identifiers: Orphanet 276575, Orphanet 276598, MedGen C2931832, MONDO:0009734, OMIM 256450.
Maturity-onset diabetes of the young (MODY). Also called: Maturity onset diabetes mellitus in young. Identifiers: Orphanet 552, MedGen C0342276, MONDO:0018911, HP:0004904.
Diabetes mellitus, transient neonatal, 2 (TNDM2). Identifiers: Orphanet 99886, MedGen C1835887, MONDO:0012480, OMIM 610374. Disease mechanism: loss of function.
Diabetes mellitus, permanent neonatal 3. Also called: ABCC8-Related Permanent Neonatal Diabetes Mellitus. Identifiers: MedGen C5394303, MONDO:0030088, OMIM 618857.
Leucine-induced hypoglycemia (LIH). Also called: LEUCINE-SENSITIVE HYPOGLYCEMIA OF INFANCY. Identifiers: MedGen C0271714, MONDO:0009415, OMIM 240800.
Type 2 diabetes mellitus. Also called: Type II diabetes mellitus. Identifiers: MedGen C0011860, MeSH D003924, MONDO:0005148, OMIM 125853, HP:0005978.
Transitory neonatal diabetes mellitus. Also called: Transient neonatal diabetes mellitus. Identifiers: MedGen C0342273, MONDO:0020525, HP:0008255.

gnomAD v4.1: 9 of 1,612,574 alleles (0.00056%); highest among the groups gnomAD compares: African/African-American, 0.0013%; no homozygotes.

Submissions (7):

Women's Health and Genetics/Laboratory Corporation of America, LabCorp
Classification: Likely benign. Last evaluated: 2024-12-16. Review status: criteria provided, single submitter. Criteria: LabCorp Variant Classification Summary - May 2015. Collection method: clinical testing. Allele origin: germline.
Comment: Variant summary: ABCC8 c.2041-12C>A alters a non-conserved nucleotide located at a position not widely known to affect splicing. Consensus agreement among computation tools predict no significant impact on normal splicing (TrAP). However, these predictions have yet to be confirmed by functional studies. The variant allele was found at a frequency of 8.1e-06 in 247584 control chromosomes. The available data on variant occurrences in the general population are insufficient to allow any conclusion about variant significance. c.2041-12C>A has been reported in the literature in individuals affected with Familial Hyperinsulinism without strong evidence for causality (Snider_2013). These report(s) do not provide unequivocal conclusions about association of the variant with Familial Hyperinsulinism. To our knowledge, no experimental evidence demonstrating an impact on protein function has been reported. ClinVar contains an entry for this variant (Variation ID: 555078). Based on the evidence outlined above, the variant was classified as likely benign.

Fulgent Genetics
Classification: Uncertain significance for Type 2 diabetes mellitus; Leucine-induced hypoglycemia; Hyperinsulinemic hypoglycemia, familial, 1; Diabetes mellitus, transient neonatal, 2; Diabetes mellitus, permanent neonatal 3. Last evaluated: 2024-02-01. Review status: criteria provided, single submitter. Criteria: ACMG Guidelines, 2015. Collection method: clinical testing. Allele origin: germline.

GeneDx
Classification: Uncertain significance. Last evaluated: 2023-12-05. Review status: criteria provided, single submitter. Criteria: GeneDx Variant Classification Process June 2021. Collection method: clinical testing. Allele origin: germline. Affected: yes.
Comment: Identified with additional ABCC8 variants in patients with hyperinsulinism in published literature (PMID: 23275527); In silico analysis supports a deleterious effect on splicing; This variant is associated with the following publications: (PMID: 23275527)

Labcorp Genetics (formerly Invitae), Labcorp
Classification: Likely benign. Last evaluated: 2023-10-17. Review status: criteria provided, single submitter. Criteria: Invitae Variant Classification Sherloc (09022015). Collection method: clinical testing. Allele origin: germline.

Clinical Genomics, Uppaluri K&H Personalized Medicine Clinic
Classification: Uncertain significance for Maturity-onset diabetes of the young. Review status: criteria provided, single submitter. Criteria: K & H Uppaluri Personalized Medicine Clinic Variant Classification & Assertion Criteria_Updated V.1. Collection method: research. Allele origin: unknown. Inheritance: Somatic mutation.
Comment: Mutations in ABCC8 gene are associated with both neonatal diabetes mellitus as well as MODY. Patients with this mutation may have a better response to sulfonylureas. However, no sufficient evidence is found to ascertain the role of this particular variant ( rs201419039) in MODY yet.

Clinical Genomics, Uppaluri K&H Personalized Medicine Clinic
Classification: Uncertain significance for Transitory neonatal diabetes mellitus. Review status: criteria provided, single submitter. Criteria: K & H Uppaluri Personalized Medicine Clinic Variant Classification & Assertion Criteria_Updated V.1. Collection method: research. Allele origin: unknown. Inheritance: Somatic mutation.
Comment: Mutations in ABCC8 gene are associated with both neonatal diabetes mellitus as well as MODY. Patients with this mutation may have a better response to sulfonylureas. However, no sufficient evidence is found to ascertain the role of this particular variant ( rs201419039) in neonatal diabetes yet.

Counsyl
Classification: Uncertain significance for Hyperinsulinemic hypoglycemia, familial, 1. Last evaluated: 2017-11-22. Review status: no assertion criteria provided. Collection method: clinical testing. Allele origin: unknown. Not counted in ClinVar's aggregate classification.

Literature cited by the submitters: PubMed 23275527 (cited by Women's Health and Genetics/Laboratory Corporation of America, LabCorp and Counsyl); PubMed 16885549 (cited by Clinical Genomics, Uppaluri K&H Personalized Medicine Clinic); PubMed 21989597 (cited by Clinical Genomics, Uppaluri K&H Personalized Medicine Clinic); PubMed 27538677 (cited by Clinical Genomics, Uppaluri K&H Personalized Medicine Clinic); PubMed 18981553 (cited by Clinical Genomics, Uppaluri K&H Personalized Medicine Clinic); PubMed 32027066 (cited by Clinical Genomics, Uppaluri K&H Personalized Medicine Clinic); PubMed 16613899 (cited by Clinical Genomics, Uppaluri K&H Personalized Medicine Clinic); PubMed 18025408 (cited by Clinical Genomics, Uppaluri K&H Personalized Medicine Clinic); PubMed 32792356 (cited by Clinical Genomics, Uppaluri K&H Personalized Medicine Clinic).